The following is an entry in ClinVar:

ClinVar aggregate classification (germline): Uncertain significance (1 of 4 stars; one submission).

Conditions:
Inborn genetic diseases. Identifiers: MedGen C0950123, MeSH D030342.

Submission:

Ambry Genetics
Classification: Uncertain significance for Inborn genetic diseases. Last evaluated: 2025-03-28. Review status: criteria provided, single submitter. Criteria: Ambry Variant Classification Scheme 2023. Collection method: clinical testing. Allele origin: germline.
Comment: The p.N132K variant (also known as c.396T>A), located in coding exon 3 of the MECOM gene, results from a T to A substitution at nucleotide position 396. The asparagine at codon 132 is replaced by lysine, an amino acid with similar properties. This amino acid position is conserved. In addition, this alteration is predicted to be tolerated by in silico analysis. Based on the available evidence, the clinical significance of this variant remains unclear.

NM_004991.4(MECOM):c.396T>A (p.Asn132Lys)

Gene: MECOM (MDS1 and EVI1 complex locus; minus strand). Cytogenetic location: 3q26.2.
Variant type: single nucleotide variant.
Coding change: c.396T>A on transcript NM_004991.4 (MANE Select); coding-DNA position 396, T replaced by A.
Protein change: p.Asn132Lys; replaces asparagine 132 with lysine.
Molecular consequence: missense variant. On other transcripts: 5 prime UTR variant (12).
Genome position (GRCh38, 1-based): chr3:169,143,812, A>T on the plus strand (T>A on the coding strand, the complement: MECOM is on the minus strand). VCF-style: chr3-169143812-A-T. GRCh37 (hg19) VCF-style: chr3-168861600-A-T.
Other names: c.24T>A, p.Asn8Lys (NM_001105077.4); c.-169T>A (NM_001105078.4, NM_001163999.2, NM_001164000.2 and 9 more transcripts); c.396T>A, p.Asn132Lys (NM_001366466.2, NM_001366473.2); short protein forms N8K, N132K.
Identifiers: ClinVar variation 4053109 (VCV004053109.1).